The following is an entry in ClinVar:

ClinVar aggregate classification (germline): Uncertain significance (1 of 4 stars; one submission).

Conditions:
Inborn genetic diseases. Identifiers: MedGen C0950123, MeSH D030342.

Submission:

Ambry Genetics
Classification: Uncertain significance for Inborn genetic diseases. Last evaluated: 2026-07-05. Review status: criteria provided, single submitter. Criteria: Ambry Variant Classification Scheme 2023. Collection method: clinical testing. Allele origin: germline.
Comment: The p.L335P variant (also known as c.1004T>C), located in coding exon 10 of the AKT1 gene, results from a T to C substitution at nucleotide position 1004. The leucine at codon 335 is replaced by proline, an amino acid with similar properties. This amino acid position is conserved. In addition, this alteration is predicted to be deleterious by in silico analysis. Based on the available evidence, the clinical significance of this variant remains unclear.

NM_001382430.1(AKT1):c.1004T>C (p.Leu335Pro)

Gene: AKT1 (AKT serine/threonine kinase 1; minus strand). Cytogenetic location: 14q32.33.
Variant type: single nucleotide variant.
Coding change: c.1004T>C on transcript NM_001382430.1 (MANE Select); coding-DNA position 1004, T replaced by C.
Protein change: p.Leu335Pro; replaces leucine 335 with proline.
Molecular consequence: missense variant.
Genome position (GRCh38, 1-based): chr14:104,773,046, A>G on the plus strand (T>C on the coding strand, the complement: AKT1 is on the minus strand). VCF-style: chr14-104773046-A-G. GRCh37 (hg19) VCF-style: chr14-105239383-A-G.
Other names: c.1004T>C, p.Leu335Pro (NM_001014431.2, NM_001014432.2, NM_001382431.1 and 3 more transcripts); short protein forms L335P.
Identifiers: ClinVar variation 5034368 (VCV005034368.1).